The following is an entry in ClinVar:

ClinVar aggregate classification (germline): Uncertain significance (1 of 4 stars; one submission).

Conditions:
Hereditary cancer-predisposing syndrome. Also called: Hereditary neoplastic syndrome; Neoplastic Syndromes, Hereditary; Tumor predisposition; Hereditary Cancer Syndrome. Identifiers: Orphanet 140162, MedGen C0027672, MeSH D009386, MONDO:0015356.

Submission:

Ambry Genetics
Classification: Uncertain significance for Hereditary cancer-predisposing syndrome. Last evaluated: 2025-02-08. Review status: criteria provided, single submitter. Criteria: Ambry Variant Classification Scheme 2023. Collection method: clinical testing. Allele origin: germline.
Comment: The p.G117A variant (also known as c.350G>C), located in coding exon 1 of the HOXB13 gene, results from a G to C substitution at nucleotide position 350. The glycine at codon 117 is replaced by alanine, an amino acid with similar properties. This amino acid position is conserved. In addition, this alteration is predicted to be tolerated by in silico analysis. Based on the available evidence, the clinical significance of this variant remains unclear.

NM_006361.6(HOXB13):c.350G>C (p.Gly117Ala)

Gene: HOXB13 (homeobox B13; minus strand). Cytogenetic location: 17q21.32.
Variant type: single nucleotide variant.
Coding change: c.350G>C on transcript NM_006361.6 (MANE Select); coding-DNA position 350, G replaced by C.
Protein change: p.Gly117Ala; replaces glycine 117 with alanine.
Molecular consequence: missense variant.
Genome position (GRCh38, 1-based): chr17:48,728,244, C>G on the plus strand (G>C on the coding strand, the complement: HOXB13 is on the minus strand). VCF-style: chr17-48728244-C-G. GRCh37 (hg19) VCF-style: chr17-46805606-C-G.
Other names: short protein forms G117A.
Identifiers: ClinVar variation 3858415 (VCV003858415.1).